The following is an entry in ClinVar:

ClinVar aggregate classification (germline): Conflicting classifications of pathogenicity. Review status: criteria provided, conflicting classifications (1 of 4 stars). 7 submissions from 7 submitters: Pathogenic (1); Likely pathogenic (1); Uncertain significance (5). Last evaluated 2026-07-27.

Conditions:
Hereditary cancer-predisposing syndrome. Also called: Hereditary Cancer Syndrome; Tumor predisposition; Hereditary neoplastic syndrome; Neoplastic Syndromes, Hereditary. Identifiers: Orphanet 140162, MedGen C0027672, MeSH D009386, MONDO:0015356.
Familial adenomatous polyposis 2. Also called: MUTYH-associated polyposis; Adenomas, multiple colorectal; FAP type 2; MUTYH Polyposis; COLORECTAL ADENOMATOUS POLYPOSIS, AUTOSOMAL RECESSIVE; ADENOMAS, MULTIPLE COLORECTAL, AUTOSOMAL RECESSIVE. Identifiers: Orphanet 220460, Orphanet 247798, MedGen C3272841, MONDO:0012041, OMIM 608456.

gnomAD v4.1: 3 of 1,614,048 alleles (0.00019%); highest among the groups gnomAD compares: Non-Finnish European, 0.00025%; no homozygotes.

Submissions (7):

Myriad Genetics, Inc.
Classification: Likely pathogenic for Familial adenomatous polyposis 2. Last evaluated: 2026-07-27. Review status: criteria provided, single submitter. Criteria: Myriad Autosomal Dominant, Autosomal Recessive and X-Linked Classification Criteria (2023). Collection method: clinical testing. Allele origin: unknown.
Comment: This variant is considered likely pathogenic. This variant has been reported in multiple individuals with clinical features of gene-specific disease [Myriad internal data]. Functional studies indicate this variant impacts protein function [PMID: 40738107].

Ambry Genetics
Classification: Uncertain significance for Hereditary cancer-predisposing syndrome. Last evaluated: 2025-01-17. Review status: criteria provided, single submitter. Criteria: Ambry Variant Classification Scheme 2023. Collection method: clinical testing. Allele origin: germline.
Comment: The p.N279S variant (also known as c.836A>G), located in coding exon 10 of the MUTYH gene, results from an A to G substitution at nucleotide position 836. The asparagine at codon 279 is replaced by serine, an amino acid with highly similar properties. This alteration was detected in a multiple colorectal adenoma cohort and interpreted as a variant of unknown significance [designated as c.794AG p.Asn265Ser] (Olschwang S et al. Genet. Test., 2007;11:315-20). This amino acid position is highly conserved in available vertebrate species. In addition, the in silico prediction for this alteration is inconclusive. Since supporting evidence is limited at this time, the clinical significance of this alteration remains unclear.

Labcorp Genetics (formerly Invitae), Labcorp
Classification: Pathogenic for Familial adenomatous polyposis 2. Last evaluated: 2023-10-26. Review status: criteria provided, single submitter. Criteria: Invitae Variant Classification Sherloc (09022015). Collection method: clinical testing. Allele origin: germline.
Comment: This sequence change replaces asparagine, which is neutral and polar, with serine, which is neutral and polar, at codon 279 of the MUTYH protein (p.Asn279Ser). This variant is not present in population databases (gnomAD no frequency). This missense change has been observed in individual(s) with colorectal cancer and/or colorectal polyposis (PMID: 17949294, 21520333; Invitae). In at least one individual the data is consistent with being in trans (on the opposite chromosome) from a pathogenic variant. This variant is also known as c.794A>G (p.Asn265Ser). ClinVar contains an entry for this variant (Variation ID: 232218). An algorithm developed to predict the effect of missense changes on protein structure and function (PolyPhen-2) suggests that this variant is likely to be disruptive. This variant disrupts the p.Asn279 amino acid residue in MUTYH. Other variant(s) that disrupt this residue have been observed in individuals with MUTYH-related conditions (Invitae), which suggests that this may be a clinically significant amino acid residue. For these reasons, this variant has been classified as Pathogenic.

Baylor Genetics
Classification: Uncertain significance for Familial adenomatous polyposis 2. Last evaluated: 2023-07-14. Review status: criteria provided, single submitter. Criteria: ACMG Guidelines, 2015. Collection method: clinical testing. Allele origin: unknown.

All of Us Research Program, National Institutes of Health
Classification: Uncertain significance for Familial adenomatous polyposis 2. Last evaluated: 2023-05-04. Review status: criteria provided, single submitter. Criteria: ACMG Guidelines, 2015. Collection method: clinical testing. Allele origin: germline. Inheritance: Autosomal recessive inheritance. Observed: 1 variant allele, 1 heterozygote.
Comment: This missense variant replaces asparagine with serine at codon 279 of the MUTYH protein. Computational prediction suggests that this variant may have deleterious impact on protein structure and function (internally defined REVEL score threshold >= 0.7, PMID: 27666373). To our knowledge, functional studies have not been reported for this variant. This variant has been observed in trans with a known MUTYH pathogenic variant in an individual affected with MUTYH-associated polyposis (PMID: 27145315). This variant has also been observed in an individual affected with multiple colorectal adenomas (PMID: 17949294). This variant has not been identified in the general population by the Genome Aggregation Database (gnomAD). The available evidence is insufficient to determine the role of this variant in disease conclusively. Therefore, this variant is classified as a Variant of Uncertain Significance.

This study involves interpretation of variants in research participants for the purpose of population health screening. Participant phenotype was not available at the time of variant classification. Additional details can be found in publication PMID: 35346344, PMCID: PMC8962531

Color Diagnostics, LLC DBA Color Health
Classification: Uncertain significance for Hereditary cancer-predisposing syndrome. Last evaluated: 2022-11-07. Review status: criteria provided, single submitter. Criteria: ACMG Guidelines, 2015. Collection method: clinical testing. Allele origin: germline.
Comment: This missense variant replaces asparagine with serine at codon 279 of the MUTYH protein. Computational prediction suggests that this variant may have deleterious impact on protein structure and function (internally defined REVEL score threshold >= 0.7, PMID: 27666373). To our knowledge, functional studies have not been reported for this variant. This variant has been observed in trans with a known MUTYH pathogenic variant in an individual affected with MUTYH-associated polyposis (PMID: 27145315). This variant has also been observed in an individual affected with multiple colorectal adenomas (PMID: 17949294). This variant has not been identified in the general population by the Genome Aggregation Database (gnomAD). The available evidence is insufficient to determine the role of this variant in disease conclusively. Therefore, this variant is classified as a Variant of Uncertain Significance.

Quest Diagnostics Nichols Institute San Juan Capistrano
Classification: Uncertain significance. Last evaluated: 2021-02-04. Review status: criteria provided, single submitter. Criteria: Quest Diagnostics criteria. Collection method: clinical testing. Allele origin: unknown.

Literature cited by the submitters: PubMed 40738107 (cited by Myriad Genetics, Inc.); PubMed 17949294 (cited by 5 submitters); PubMed 21520333 (cited by Labcorp Genetics (formerly Invitae), Labcorp); PubMed 27145315 (cited by All of Us Research Program, National Institutes of Health and Color Diagnostics, LLC DBA Color Health).

NM_001048174.2(MUTYH):c.752A>G (p.Asn251Ser)

Gene: MUTYH (mutY DNA glycosylase; minus strand). Cytogenetic location: 1p34.1.
Variant type: single nucleotide variant.
Coding change: c.752A>G on transcript NM_001048174.2 (MANE Select); coding-DNA position 752, A replaced by G.
Protein change: p.Asn251Ser; replaces asparagine 251 with serine.
Molecular consequence: missense variant. On other transcripts: non-coding transcript variant (2).
Genome position (GRCh38, 1-based): chr1:45,332,263, T>C on the plus strand (A>G on the coding strand, the complement: MUTYH is on the minus strand). VCF-style: chr1-45332263-T-C. GRCh37 (hg19) VCF-style: chr1-45797935-T-C.
Other names: c.752A>G, p.Asn251Ser (NM_001048171.2, NM_001048173.2, NM_001293195.2); c.755A>G, p.Asn252Ser (NM_001048172.2); c.836A>G, p.Asn279Ser (NM_001128425.2); c.797A>G, p.Asn266Ser (NM_001293190.2); c.785A>G, p.Asn262Ser (NM_001293191.2); c.476A>G, p.Asn159Ser (NM_001293192.2, NM_001293196.2); c.407A>G, p.Asn136Ser (NM_001350650.2, NM_001350651.2); c.827A>G, p.Asn276Ser (NM_012222.3); short protein forms N279S, N251S, N266S, N136S, N159S, N262S, N276S, N252S.
Identifiers: ClinVar variation 232218 (VCV000232218.24), dbSNP rs587778534, ClinGen allele CA10577723.